The following is an entry in ClinVar:

ClinVar aggregate classification (germline): Conflicting classifications of pathogenicity. Review status: criteria provided, conflicting classifications (1 of 4 stars). 5 submissions from 5 submitters: Uncertain significance (2); Likely benign (1). 2 of the submissions do not count toward it. Last evaluated 2026-01-19.

Conditions:
NEB-related disorder. Also called: NEB-related condition; NEB-Related Disorders.
Inborn genetic diseases. Identifiers: MedGen C0950123, MeSH D030342.
Nemaline myopathy 2 (NEM2). Also called: Nemaline myopathy 2, autosomal recessive. Identifiers: MedGen C1850569, MONDO:0009725, OMIM 256030.

Allele frequency attached by ClinVar (database versions not stated): TOPMed 0.00002; gnomAD 0.00010.

Submissions (5):

Labcorp Genetics (formerly Invitae), Labcorp
Classification: Likely benign for Nemaline myopathy 2. Last evaluated: 2026-01-19. Review status: criteria provided, single submitter. Criteria: Invitae Variant Classification Sherloc (09022015). Collection method: clinical testing. Allele origin: germline.

Ambry Genetics
Classification: Uncertain significance for Inborn genetic diseases. Last evaluated: 2025-10-06. Review status: criteria provided, single submitter. Criteria: Ambry Variant Classification Scheme 2023. Collection method: clinical testing. Allele origin: germline.

Mayo Clinic Laboratories, Mayo Clinic
Classification: Uncertain significance. Last evaluated: 2025-01-22. Review status: criteria provided, single submitter. Criteria: ACMG Guidelines, 2015. Collection method: clinical testing. Allele origin: germline. Observed: 1 variant allele.

PreventionGenetics, part of Exact Sciences
Classification: Likely benign for NEB-related condition. Last evaluated: 2022-04-15. Review status: no assertion criteria provided. Collection method: clinical testing. Allele origin: germline. Not counted in ClinVar's aggregate classification.
Comment: This variant is classified as likely benign based on ACMG/AMP sequence variant interpretation guidelines (Richards et al. 2015 PMID: 25741868, with internal and published modifications).

Natera, Inc.
Classification: Uncertain significance for Nemaline myopathy type 2. Last evaluated: 2020-01-17. Review status: no assertion criteria provided. Collection method: clinical testing. Allele origin: germline. Not counted in ClinVar's aggregate classification.

NM_001164508.2(NEB):c.18224A>C (p.His6075Pro)

Gene: NEB (nebulin; minus strand). Cytogenetic location: 2q23.3.
Variant type: single nucleotide variant.
Coding change: c.18224A>C on transcript NM_001164508.2 (MANE Select); coding-DNA position 18224, A replaced by C.
Protein change: p.His6075Pro; replaces histidine 6075 with proline.
Molecular consequence: missense variant.
Genome position (GRCh38, 1-based): chr2:151,565,753, T>G on the plus strand (A>C on the coding strand, the complement: NEB is on the minus strand). VCF-style: chr2-151565753-T-G. GRCh37 (hg19) VCF-style: chr2-152422267-T-G.
Other names: p.His6075Pro; c.18224A>C, p.His6075Pro (NM_001164507.2, NM_001271208.2); c.13121A>C, p.His4374Pro (NM_004543.5); c.13121A>C (NM_004543.4); short protein forms H4374P, H6075P.
Identifiers: ClinVar variation 706039 (VCV000706039.14), dbSNP rs768813228, ClinGen allele CA1908013.